The following is an entry in ClinVar:

NM_001083961.2(WDR62):c.2720T>A (p.Leu907Gln)

Gene: WDR62 (WD repeat domain 62; plus strand). Cytogenetic location: 19q13.12.
Variant type: single nucleotide variant.
Coding change: c.2720T>A on transcript NM_001083961.2 (MANE Select); coding-DNA position 2720, T replaced by A.
Protein change: p.Leu907Gln; replaces leucine 907 with glutamine.
Molecular consequence: missense variant.
Genome position (GRCh38, 1-based): chr19:36,099,598, T>A. VCF-style: chr19-36099598-T-A. GRCh37 (hg19) VCF-style: chr19-36590500-T-A.
Other names: c.2720T>A, p.Leu907Gln (NM_173636.5); short protein forms L907Q.
Identifiers: ClinVar variation 1504636 (VCV001504636.8), dbSNP rs2145847436, ClinGen allele CA405444876.

ClinVar aggregate classification (germline): Uncertain significance (1 of 4 stars; one submission).

Submission:

Labcorp Genetics (formerly Invitae), Labcorp
Classification: Uncertain significance. Last evaluated: 2022-11-08. Review status: criteria provided, single submitter. Criteria: Invitae Variant Classification Sherloc (09022015). Collection method: clinical testing. Allele origin: germline.
Comment: In summary, the available evidence is currently insufficient to determine the role of this variant in disease. Therefore, it has been classified as a Variant of Uncertain Significance. Advanced modeling of protein sequence and biophysical properties (such as structural, functional, and spatial information, amino acid conservation, physicochemical variation, residue mobility, and thermodynamic stability) has been performed at Invitae for this missense variant, however the output from this modeling did not meet the statistical confidence thresholds required to predict the impact of this variant on WDR62 protein function. ClinVar contains an entry for this variant (Variation ID: 1504636). This variant has not been reported in the literature in individuals affected with WDR62-related conditions. This variant is not present in population databases (gnomAD no frequency). This sequence change replaces leucine, which is neutral and non-polar, with glutamine, which is neutral and polar, at codon 907 of the WDR62 protein (p.Leu907Gln).